The following is an entry in ClinVar:

ClinVar aggregate classification (germline): Uncertain significance (1 of 4 stars; one submission).

Submission:

Labcorp Genetics (formerly Invitae), Labcorp
Classification: Uncertain significance. Last evaluated: 2022-09-12. Review status: criteria provided, single submitter. Criteria: Invitae Variant Classification Sherloc (09022015). Collection method: clinical testing. Allele origin: germline.
Comment: In summary, the available evidence is currently insufficient to determine the role of this variant in disease. Therefore, it has been classified as a Variant of Uncertain Significance. Variants that disrupt the consensus splice site are a relatively common cause of aberrant splicing (PMID: 17576681, 9536098). Experimental studies and prediction algorithms are not available or were not evaluated, and the effect of this variant on mRNA splicing is currently unknown. ClinVar contains an entry for this variant (Variation ID: 1367572). This variant has not been reported in the literature in individuals affected with HTT-related conditions. This variant is not present in population databases (gnomAD no frequency). This sequence change falls in intron 30 of the HTT gene. It does not directly change the encoded amino acid sequence of the HTT protein. It affects a nucleotide within the consensus splice site.

Literature cited by the submitters: PubMed 17576681; PubMed 9536098.

NM_001388492.1(HTT):c.3942+6A>C

Gene: HTT (huntingtin; plus strand). Cytogenetic location: 4p16.3.
Variant type: single nucleotide variant.
Coding change: c.3942+6A>C on transcript NM_001388492.1 (MANE Select); 6 bases into the intron after coding-DNA position 3942, A replaced by C.
Molecular consequence: intron variant.
Genome position (GRCh38, 1-based): chr4:3,172,403, A>C. VCF-style: chr4-3172403-A-C. GRCh37 (hg19) VCF-style: chr4-3174130-A-C.
Other names: c.3942+6A>C (NM_002111.8).
Identifiers: ClinVar variation 1367572 (VCV001367572.6), dbSNP rs2110231469, ClinGen allele CA2573137555.